The following is an entry in ClinVar:

ClinVar aggregate classification (germline): Pathogenic/Likely pathogenic. Review status: criteria provided, multiple submitters, no conflicts (2 of 4 stars). 2 submissions from 2 submitters: Pathogenic (1); Likely pathogenic (1). Last evaluated 2024-02-02.

Conditions:
Multiple acyl-CoA dehydrogenase deficiency (MADD). Also called: ETHYLMALONIC-ADIPICACIDURIA; GA II; Glutaric aciduria, type 2; Glutaric acidemia type II; GA 2; Glutaric Acidemia type 2. Identifiers: Orphanet 26791, MedGen C0268596, MONDO:0009282, OMIM 231680.

Submissions (2):

Fulgent Genetics
Classification: Likely pathogenic for Multiple acyl-CoA dehydrogenase deficiency. Last evaluated: 2024-02-02. Review status: criteria provided, single submitter. Criteria: ACMG Guidelines, 2015. Collection method: clinical testing. Allele origin: germline.

Labcorp Genetics (formerly Invitae), Labcorp
Classification: Pathogenic for Multiple acyl-CoA dehydrogenase deficiency. Last evaluated: 2023-10-30. Review status: criteria provided, single submitter. Criteria: Invitae Variant Classification Sherloc (09022015). Collection method: clinical testing. Allele origin: germline.
Comment: This sequence change results in a frameshift in the ETFDH gene (p.Gly616Glnfs*8). While this is not anticipated to result in nonsense mediated decay, it is expected to disrupt the last 2 amino acid(s) of the ETFDH protein and extend the protein by 5 additional amino acid residues. This variant is not present in population databases (gnomAD no frequency). This variant has not been reported in the literature in individuals affected with ETFDH-related conditions. ClinVar contains an entry for this variant (Variation ID: 2203631). This variant disrupts a region of the ETFDH protein in which other variant(s) (p.Met617Ile) have been determined to be pathogenic (PMID: 35090233). This suggests that this is a clinically significant region of the protein, and that variants that disrupt it are likely to be disease-causing. For these reasons, this variant has been classified as Pathogenic.

Literature cited by the submitters: PubMed 35090233 (cited by Labcorp Genetics (formerly Invitae), Labcorp).

NM_004453.4(ETFDH):c.1842_1845dup (p.Gly616fs)

Gene: ETFDH (electron transfer flavoprotein dehydrogenase; plus strand). Cytogenetic location: 4q32.1.
Variant type: Duplication.
Coding change: c.1842_1845dup on transcript NM_004453.4 (MANE Select); coding-DNA positions 1842 to 1845, 4 bases duplicated (CAAT; older notation c.1842_1845dupCAAT).
Protein change: p.Gly616fs; shifts the reading frame from glycine 616.
Molecular consequence: frameshift variant.
Genome position (GRCh38, 1-based): chr4:158,708,515-158,708,518, CAAT duplicated. VCF-style (leftmost placement, unchanged base first): chr4-158708514-A-ACAAT. GRCh37 (hg19) VCF-style: chr4-159629666-A-ACAAT.
Other names: c.1701_1704dup, p.Gly569fs (NM_001281737.2); c.1659_1662dup, p.Gly555fs (NM_001281738.1); short protein forms G555fs, G569fs, G616fs.
Identifiers: ClinVar variation 2203631 (VCV002203631.5), dbSNP rs2476741877, ClinGen allele CA2580071653.